The following is an entry in ClinVar:

NC_000004.11:g.(?_15504032)_(15513066_?)del

Gene: CC2D2A (coiled-coil and C2 domain containing 2A; plus strand). Cytogenetic location: 4p15.32.
Variant type: Deletion.
Identifiers: ClinVar variation 3246616 (VCV003246616.1).

ClinVar aggregate classification (germline): Pathogenic (1 of 4 stars; one submission).

Conditions:
Joubert syndrome. Also called: CEREBELLOPARENCHYMAL DISORDER IV; JOUBERT-BOLTSHAUSER SYNDROME; Familial aplasia of the vermis. Identifiers: Orphanet 475, MedGen C5979921, MONDO:0018772.
Meckel-Gruber syndrome. Also called: DYSENCEPHALIA SPLANCHNOCYSTICA; GRUBER SYNDROME; Dysencephalia splachnocystica. Identifiers: Orphanet 564, MedGen C0265215, MONDO:0018921.

Submission:

Labcorp Genetics (formerly Invitae), Labcorp
Classification: Pathogenic for Joubert syndrome; Meckel-Gruber syndrome. Last evaluated: 2023-10-23. Review status: criteria provided, single submitter. Criteria: Invitae Variant Classification Sherloc (09022015). Collection method: clinical testing. Allele origin: unknown.
Comment: This variant is a gross deletion of the genomic region encompassing exon(s) 6-9 of the CC2D2A gene. This deletion is out-of-frame, and is expected to create a premature termination codon and result in an absent or disrupted protein product. Loss-of-function variants in CC2D2A are known to be pathogenic (PMID: 19777577). This variant has not been reported in the literature in individuals affected with CC2D2A-related conditions. For these reasons, this variant has been classified as Pathogenic.

Literature cited by the submitters: PubMed 19777577.